The following is an entry in ClinVar:

NM_002878.4(RAD51D):c.604del (p.Val202fs)

Genes: RAD51D (RAD51 paralog D; minus strand), RAD51L3-RFFL (RAD51L3-RFFL readthrough; minus strand). Cytogenetic location: 17q12.
Variant type: Deletion.
Coding change: c.604del on transcript NM_002878.4 (MANE Select); coding-DNA position 604, one base deleted (G; older notation c.604delG).
Protein change: p.Val202fs; shifts the reading frame from valine 202.
Molecular consequence: frameshift variant. On other transcripts: non-coding transcript variant (3).
Genome position (GRCh38, 1-based): chr17:35,103,517, C deleted on the plus strand (G on the coding strand, the reverse complement: RAD51D is on the minus strand); the first of 2 consecutive C bases (chr17:35,103,517-35,103,518); deleting either gives the same sequence. VCF-style (leftmost placement, unchanged base first): chr17-35103516-AC-A. GRCh37 (hg19) VCF-style: chr17-33430535-AC-A.
Other names: c.604delG (NM_002878.3); c.664del, p.Val222fs (NM_001142571.2); c.268del, p.Val90fs (NM_133629.3); short protein forms V202fs, V222fs, V90fs.
Identifiers: ClinVar variation 3942386 (VCV003942386.1).
Genomic context (GRCh38, chr17:35,103,516, plus strand): 5'-TCCCTCTGCTGACCTCCCAGAAGTGGGGAAACCACCGCAGTGACCGAGTCCACAACCACC[AC>A]CTTCACAGTTCCTGAAGAACCAGTCACCTGAAGGAATGTGGGGGAAGCACTCATGAACCT-3'

ClinVar aggregate classification (germline): Pathogenic (1 of 4 stars; one submission).

Conditions:
Hereditary cancer-predisposing syndrome. Also called: Tumor predisposition; Hereditary neoplastic syndrome; Hereditary Cancer Syndrome; Neoplastic Syndromes, Hereditary. Identifiers: Orphanet 140162, MedGen C0027672, MeSH D009386, MONDO:0015356.

Submission:

Ambry Genetics
Classification: Pathogenic for Hereditary cancer-predisposing syndrome. Last evaluated: 2025-05-05. Review status: criteria provided, single submitter. Criteria: Ambry Variant Classification Scheme 2023. Collection method: clinical testing. Allele origin: germline.
Comment: The c.604delG pathogenic mutation, located in coding exon 7 of the RAD51D gene, results from a deletion of one nucleotide at nucleotide position 604, causing a translational frameshift with a predicted alternate stop codon (p.V202Wfs*25). This variant is considered to be rare based on population cohorts in the Genome Aggregation Database (gnomAD). This alteration is expected to result in loss of function by premature protein truncation or nonsense-mediated mRNA decay. As such, this alteration is interpreted as a disease-causing mutation.